The following is an entry in ClinVar:

ClinVar aggregate classification (germline): Uncertain significance (1 of 4 stars; one submission).

gnomAD v4.1: 18 of 1,613,984 alleles (0.0011%); highest among the groups gnomAD compares: Non-Finnish European, 0.0015%; no homozygotes.

Submission:

Labcorp Genetics (formerly Invitae), Labcorp
Classification: Uncertain significance. Last evaluated: 2025-12-09. Review status: criteria provided, single submitter. Criteria: Invitae Variant Classification Sherloc (09022015). Collection method: clinical testing. Allele origin: germline.
Comment: This sequence change replaces valine, which is neutral and non-polar, with alanine, which is neutral and non-polar, at codon 785 of the ALPK1 protein (p.Val785Ala). This variant is not present in population databases (gnomAD no frequency). This variant has not been reported in the literature in individuals affected with ALPK1-related conditions. ClinVar contains an entry for this variant (Variation ID: 3665623). Invitae Evidence Modeling of protein sequence and biophysical properties (such as structural, functional, and spatial information, amino acid conservation, physicochemical variation, residue mobility, and thermodynamic stability) indicates that this missense variant is not expected to disrupt ALPK1 protein function with a negative predictive value of 80%. In summary, the available evidence is currently insufficient to determine the role of this variant in disease. Therefore, it has been classified as a Variant of Uncertain Significance.

NM_025144.4(ALPK1):c.2354T>C (p.Val785Ala)

Gene: ALPK1 (alpha kinase 1; plus strand). Cytogenetic location: 4q25.
Variant type: single nucleotide variant.
Coding change: c.2354T>C on transcript NM_025144.4 (MANE Select); coding-DNA position 2354, T replaced by C.
Protein change: p.Val785Ala; replaces valine 785 with alanine.
Molecular consequence: missense variant.
Genome position (GRCh38, 1-based): chr4:112,431,901, T>C. VCF-style: chr4-112431901-T-C. GRCh37 (hg19) VCF-style: chr4-113353057-T-C.
Other names: c.2354T>C, p.Val785Ala (NM_001102406.2); c.2120T>C, p.Val707Ala (NM_001253884.2); short protein forms V707A, V785A.
Identifiers: ClinVar variation 3665623 (VCV003665623.2).